The following is an entry in ClinVar:

ClinVar aggregate classification (germline): Uncertain significance (1 of 4 stars; one submission).

Conditions:
Generalized epilepsy-paroxysmal dyskinesia syndrome (PNKD3). Also called: Paroxysmal nonkinesigenic dyskinesia, 3, with or without generalized epilepsy; Generalized epilepsy and paroxysmal dyskinesia. Identifiers: Orphanet 79137, MedGen C5574945, MONDO:0012276, OMIM 609446.

Allele frequency attached by ClinVar (database versions not stated): gnomAD exomes 0.00004; gnomAD 0.00001; TOPMed 0.00003.
gnomAD v4.1: 46 of 1,465,394 alleles (0.0031%); highest among the groups gnomAD compares: Middle Eastern, 0.025%; 1 homozygote.

Submission:

Centre for Mendelian Genomics, University Medical Centre Ljubljana
Classification: Uncertain significance for Generalized epilepsy-paroxysmal dyskinesia syndrome. Last evaluated: 2016-01-01. Review status: criteria provided, single submitter. Criteria: ACMG Guidelines, 2015. Collection method: clinical testing. Allele origin: unknown. Affected: yes.
Comment: This variant was classified as: Uncertain significance. The following ACMG criteria were applied in classifying this variant: PM2.

NM_001161352.2(KCNMA1):c.378+503T>C

Gene: KCNMA1 (potassium calcium-activated channel subfamily M alpha 1; minus strand). Cytogenetic location: 10q22.3.
Variant type: single nucleotide variant.
Coding change: c.378+503T>C on transcript NM_001161352.2 (MANE Select); 503 bases into the intron after coding-DNA position 378, T replaced by C.
Molecular consequence: intron variant. On other transcripts: missense variant (1).
Genome position (GRCh38, 1-based): chr10:77,636,762, A>G on the plus strand (T>C on the coding strand, the complement: KCNMA1 is on the minus strand). VCF-style: chr10-77636762-A-G. GRCh37 (hg19) VCF-style: chr10-79396520-A-G.
Other names: c.623T>C, p.Phe208Ser (NM_001271520.2); c.378+503T>C (NM_001271518.2, NM_001322832.2, NM_001322829.2 and 8 more transcripts); c.379-247T>C (NM_001271522.2); c.379-193T>C (NM_001271521.2); c.491+132T>C (NM_001322839.2); short protein forms F208S.
Identifiers: ClinVar variation 930389 (VCV000930389.3), dbSNP rs200150931, ClinGen allele CA210159463.